The following is an entry in ClinVar:

ClinVar aggregate classification (germline): Uncertain significance. Review status: criteria provided, multiple submitters, no conflicts (2 of 4 stars). 7 submissions from 6 submitters: Uncertain significance (7). Last evaluated 2025-10-25.

Conditions:
Inborn genetic diseases. Identifiers: MedGen C0950123, MeSH D030342.
Amyotrophic lateral sclerosis type 4 (ALS4). Also called: NEURONOPATHY, DISTAL HEREDITARY MOTOR, WITH PYRAMIDAL FEATURES; AMYOTROPHIC LATERAL SCLEROSIS 4, JUVENILE. Identifiers: Orphanet 357043, MedGen C1865409, MONDO:0011223, OMIM 602433.
Spinocerebellar ataxia, autosomal recessive, with axonal neuropathy 2 (SCAN2). Also called: Ataxia with Oculomotor Apraxia; Ataxia with Oculomotor Apraxia Type 2; Ataxia-ocular apraxia-2; ATAXIA-OCULOMOTOR APRAXIA 2. Identifiers: Orphanet 64753, MedGen C1853761, MONDO:0018996, OMIM 606002.

Submissions (7):

Labcorp Genetics (formerly Invitae), Labcorp
Classification: Uncertain significance for Amyotrophic lateral sclerosis type 4; Spinocerebellar ataxia, autosomal recessive, with axonal neuropathy 2. Last evaluated: 2025-10-25. Review status: criteria provided, single submitter. Criteria: Invitae Variant Classification Sherloc (09022015). Collection method: clinical testing. Allele origin: germline.
Comment: This variant, c.3046_3048del, results in the deletion of 1 amino acid(s) of the SETX protein (p.Ile1016del), but otherwise preserves the integrity of the reading frame. This variant is present in population databases (rs765663814, gnomAD 0.005%). This variant has been observed in individual(s) with amyotrophic lateral sclerosis (PMID: 37952009). ClinVar contains an entry for this variant (Variation ID: 1305566). Experimental studies and prediction algorithms are not available or were not evaluated, and the functional significance of this variant is currently unknown. In summary, the available evidence is currently insufficient to determine the role of this variant in disease. Therefore, it has been classified as a Variant of Uncertain Significance.

Blueprint Genetics
Classification: Uncertain significance. Last evaluated: 2024-09-20. Review status: criteria provided, single submitter. Criteria: ACMG Guidelines, 2015. Collection method: clinical testing. Allele origin: germline.

GeneDx
Classification: Uncertain significance. Last evaluated: 2023-07-25. Review status: criteria provided, single submitter. Criteria: GeneDx Variant Classification Process June 2021. Collection method: clinical testing. Allele origin: germline. Affected: yes.
Comment: In-frame deletion of one amino acid in a non-repeat region; In silico analysis supports a deleterious effect on protein structure/function; Has not been previously published as pathogenic or benign to our knowledge

Genome-Nilou Lab
Classification: Uncertain significance for Spinocerebellar ataxia, autosomal recessive, with axonal neuropathy 2. Last evaluated: 2023-02-08. Review status: criteria provided, single submitter. Criteria: ACMG Guidelines, 2015. Collection method: clinical testing. Allele origin: germline.

Genome-Nilou Lab
Classification: Uncertain significance for Amyotrophic lateral sclerosis type 4. Last evaluated: 2023-02-08. Review status: criteria provided, single submitter. Criteria: ACMG Guidelines, 2015. Collection method: clinical testing. Allele origin: germline.

Ambry Genetics
Classification: Uncertain significance for Inborn genetic diseases. Last evaluated: 2019-09-03. Review status: criteria provided, single submitter. Criteria: Ambry Variant Classification Scheme 2023. Collection method: clinical testing. Allele origin: germline.
Comment: The c.3046_3048delATT variant (also known as p.I1016del), located in coding exon 8 of the SETX gene, results from an in-frame deletion of ATT at nucleotide positions 3046 to 3048. This results in the in-frame deletion of an isoleucine residue at codon 1016. This amino acid position is highly conserved in available vertebrate species. Since supporting evidence is limited at this time, the clinical significance of this alteration remains unclear.

Breakthrough Genomics
Classification: Uncertain significance. Review status: criteria provided, single submitter. Criteria: ACMG Guidelines, 2015. Collection method: not provided. Allele origin: germline. Inheritance: Autosomal recessive inheritance. Affected: yes.

Literature cited by the submitters: PubMed 37952009 (cited by Labcorp Genetics (formerly Invitae), Labcorp).

NM_015046.7(SETX):c.3040ATT[2] (p.Ile1016del)

Gene: SETX (senataxin; minus strand). Cytogenetic location: 9q34.13.
Variant type: Microsatellite.
Coding change: c.3040ATT[2] on transcript NM_015046.7 (MANE Select); two copies in a row of the 3-base unit ATT starting at c.3040; the reference has three copies in a row; one copy, 3 bases deleted.
Protein change: p.Ile1016del; deletes isoleucine 1016.
Molecular consequence: inframe deletion.
Genome position (GRCh38, 1-based): chr9:132,328,550-132,328,552, AAT deleted on the plus strand (ATT on the coding strand, the reverse complement: SETX is on the minus strand); deleting any 3 consecutive bases within chr9:132,328,550-132,328,560 gives the same sequence; the position shown is the placement nearest the transcript's 3' end. VCF-style (leftmost placement, unchanged base first): chr9-132328549-AAAT-A. GRCh37 (hg19) VCF-style: chr9-135203936-AAAT-A.
Other names: c.3040ATT[2], p.Ile1016del (NM_001351527.2, NM_001351528.2); c.3046_3048delATT (NM_015046.5); short protein forms I1016del.
Identifiers: ClinVar variation 1305566 (VCV001305566.11), dbSNP rs765663814, ClinGen allele CA5297488.